The following is an entry in ClinVar:

ClinVar aggregate classification (germline): Likely benign. Review status: criteria provided, multiple submitters, no conflicts (2 of 4 stars). 3 submissions from 3 submitters: Likely benign (3). Last evaluated 2026-01-26.

Conditions:
Inborn genetic diseases. Identifiers: MedGen C0950123, MeSH D030342.

Allele frequency attached by ClinVar (database versions not stated): ESP Exome Variant Server 0.00008; 1000 Genomes Project 30x 0.00016; 1000 Genomes Project 0.00020; gnomAD 0.00023; gnomAD exomes 0.00027; ExAC 0.00042.

Submissions (3):

Labcorp Genetics (formerly Invitae), Labcorp
Classification: Likely benign. Last evaluated: 2026-01-26. Review status: criteria provided, single submitter. Criteria: Invitae Variant Classification Sherloc (09022015). Collection method: clinical testing. Allele origin: germline.

CeGaT Center for Human Genetics Tuebingen
Classification: Likely benign. Last evaluated: 2022-10-01. Review status: criteria provided, single submitter. Criteria: CeGaT Center For Human Genetics Tuebingen Variant Classification Criteria Version 2. Collection method: clinical testing. Allele origin: germline. Affected: yes. Observed: 1 variant allele.
Comment: DCHS1: BP4

Ambry Genetics
Classification: Likely benign for Inborn genetic diseases. Last evaluated: 2022-08-02. Review status: criteria provided, single submitter. Criteria: Ambry Variant Classification Scheme 2023. Collection method: clinical testing. Allele origin: germline.

NM_003737.4(DCHS1):c.7435G>A (p.Ala2479Thr)

Gene: DCHS1 (dachsous cadherin-related 1; minus strand). Cytogenetic location: 11p15.4.
Variant type: single nucleotide variant.
Coding change: c.7435G>A on transcript NM_003737.4 (MANE Select); coding-DNA position 7435, G replaced by A.
Protein change: p.Ala2479Thr; replaces alanine 2479 with threonine.
Molecular consequence: missense variant.
Genome position (GRCh38, 1-based): chr11:6,624,241, C>T on the plus strand (G>A on the coding strand, the complement: DCHS1 is on the minus strand). VCF-style: chr11-6624241-C-T. GRCh37 (hg19) VCF-style: chr11-6645472-C-T.
Other names: c.7435G>A (NM_003737.2); short protein forms A2479T.
Identifiers: ClinVar variation 1091367 (VCV001091367.33), dbSNP rs200993350, ClinGen allele CA5859602.